The following is an entry in ClinVar:

NM_006005.3(WFS1):c.2565A>T (p.Ser855=)

Gene: WFS1 (wolframin ER transmembrane glycoprotein; plus strand). Cytogenetic location: 4p16.1.
Variant type: single nucleotide variant.
Coding change: c.2565A>T on transcript NM_006005.3 (MANE Select); coding-DNA position 2565, A replaced by T.
Protein change: p.Ser855=; no amino-acid change (serine 855 retained).
Molecular consequence: synonymous variant.
Genome position (GRCh38, 1-based): chr4:6,302,360, A>T. VCF-style: chr4-6302360-A-T. GRCh37 (hg19) VCF-style: chr4-6304087-A-T.
Other names: c.2565A>T, p.Ser855= (NM_001145853.1).
Identifiers: ClinVar variation 391382 (VCV000391382.54), dbSNP rs1046316, ClinGen allele CA2839782.

ClinVar aggregate classification (germline): Likely benign. Review status: criteria provided, multiple submitters, no conflicts (2 of 4 stars). 6 submissions from 6 submitters: Likely benign (6). Last evaluated 2026-09-01.

Conditions:
WFS1-related disorder. Identifiers: MedGen CN379391, MONDO:0700293.
Wolfram syndrome 1 (WFS1). Identifiers: Orphanet 3463, MedGen C4551693, MONDO:0009101, OMIM 222300.
Wolfram-like syndrome. Also called: HEARING LOSS, PROGRESSIVE, WITH OPTIC ATROPHY AND/OR IMPAIRED GLUCOSE REGULATION. Identifiers: Orphanet 411590, MedGen C3280358, MONDO:0013673, OMIM 614296.
Cataract 41 (CTRCT41). Also called: CATARACT 41, CONGENITAL NUCLEAR TYPE. Identifiers: Orphanet 91492, Orphanet 98991, Orphanet 98992, Orphanet 98995, MedGen C3805412, MONDO:0007287, OMIM 116400.
Type 2 diabetes mellitus. Also called: Type II diabetes mellitus. Identifiers: MedGen C0011860, MeSH D003924, MONDO:0005148, OMIM 125853, HP:0005978.
Autosomal dominant nonsyndromic hearing loss 6 (LFSNHL). Also called: Autosomal dominant nonsyndromic deafness 6; DEAFNESS, AUTOSOMAL DOMINANT 14; DEAFNESS, AUTOSOMAL DOMINANT 38; DEAFNESS, AUTOSOMAL DOMINANT 6. Identifiers: Orphanet 90635, MedGen C1833021, MONDO:0010963, OMIM 600965.

gnomAD v4.1: 38 of 1,612,838 alleles (0.0024%); highest among the groups gnomAD compares: East Asian, 0.013%; no homozygotes.

Submissions (7):

CeGaT Center for Human Genetics Tuebingen
Classification: Likely benign. Last evaluated: 2026-09-01. Review status: criteria provided, single submitter. Criteria: CeGaT Center For Human Genetics Tuebingen Variant Classification Criteria Version 2. Collection method: clinical testing. Allele origin: germline. Affected: yes. Observed: 1 variant allele.
Comment: WFS1: BP4, BP7

Labcorp Genetics (formerly Invitae), Labcorp
Classification: Likely benign. Last evaluated: 2025-05-26. Review status: criteria provided, single submitter. Criteria: Invitae Variant Classification Sherloc (09022015). Collection method: clinical testing. Allele origin: germline.

PreventionGenetics, part of Exact Sciences
Classification: Likely benign for WFS1-related condition. Last evaluated: 2025-05-05. Review status: criteria provided, single submitter. Criteria: ACMG Guidelines, 2015. Collection method: clinical testing. Allele origin: germline.
Comment: This variant is classified as likely benign based on ACMG/AMP sequence variant interpretation guidelines (Richards et al. 2015 PMID: 25741868, with internal and published modifications).

Blueprint Genetics
Classification: Likely benign. Last evaluated: 2024-06-19. Review status: criteria provided, single submitter. Criteria: ACMG Guidelines, 2015. Collection method: clinical testing. Allele origin: germline.

Fulgent Genetics
Classification: Likely benign for Cataract 41; Type 2 diabetes mellitus; Wolfram syndrome 1; Autosomal dominant nonsyndromic hearing loss 6; Wolfram-like syndrome. Last evaluated: 2021-09-20. Review status: criteria provided, single submitter. Criteria: ACMG Guidelines, 2015. Collection method: clinical testing. Allele origin: unknown.

GeneDx
Classification: Likely benign. Last evaluated: 2018-04-16. Review status: criteria provided, single submitter. Criteria: GeneDx Variant Classification Process June 2021. Collection method: clinical testing. Allele origin: germline. Affected: yes.

Dr. Peter K. Rogan Lab, Western University
No classification provided (evidence only). Condition: Nonpapillary renal cell carcinoma. Review status: no classification provided. Collection method: in vitro. Allele origin: not applicable. Functional consequence: retained intron. Not counted in ClinVar's aggregate classification.